The following is an entry in ClinVar:

NM_024101.7(MLPH):c.1138G>A (p.Val380Ile)

Gene: MLPH (melanophilin; plus strand). Cytogenetic location: 2q37.3.
Variant type: single nucleotide variant.
Coding change: c.1138G>A on transcript NM_024101.7 (MANE Select); coding-DNA position 1138, G replaced by A.
Protein change: p.Val380Ile; replaces valine 380 with isoleucine.
Molecular consequence: missense variant. On other transcripts: non-coding transcript variant (1).
Genome position (GRCh38, 1-based): chr2:237,540,381, G>A. VCF-style: chr2-237540381-G-A. GRCh37 (hg19) VCF-style: chr2-238449024-G-A.
Other names: c.1054G>A, p.Val352Ile (NM_001042467.3); c.934G>A, p.Val312Ile (NM_001281473.2); c.709G>A, p.Val237Ile (NM_001281474.2); short protein forms V237I, V312I, V352I, V380I.
Identifiers: ClinVar variation 1309152 (VCV001309152.2), dbSNP rs751494893, ClinGen allele CA351206840.
Genomic context (GRCh38, chr2:237,540,381, plus strand): 5'-TCCAAATCCACTGGCCTGTTCTGTCAGGGTCTAGGTGCTGGAGTGCGCACGGAGGCCGAT[G>A]TAGAGGAGGAGGCCCTGAGGAGGAAGCTGGAGGAGCTGACCAGCAACGTCAGTGACCAGG-3'
Protein context (NP_077006.1, residues 370-390): LGAGVRTEAD[Val380Ile]EEEALRRKLE

ClinVar aggregate classification (germline): Uncertain significance (1 of 4 stars; one submission).

Allele frequency attached by ClinVar (database versions not stated): gnomAD exomes below 0.00001.
gnomAD v4.1: 1 of 1,613,778 alleles (0.000062%); highest among the groups gnomAD compares: Non-Finnish European, 0.000085%; no homozygotes.

Submission:

GeneDx
Classification: Uncertain significance. Last evaluated: 2019-10-07. Review status: criteria provided, single submitter. Criteria: GeneDx Variant Classification Process June 2021. Collection method: clinical testing. Allele origin: germline. Affected: yes.
Comment: Not observed at a significant frequency in large population cohorts (Lek et al., 2016); In silico analysis, which includes protein predictors and evolutionary conservation, supports that this variant does not alter protein structure/function; Has not been previously published as pathogenic or benign to our knowledge